The following is an entry in ClinVar:

ClinVar aggregate classification (germline): Pathogenic (1 of 4 stars; one submission).

Conditions:
Primary ciliary dyskinesia. Also called: Ciliary dyskinesia. Identifiers: Orphanet 244, MedGen C0008780, MONDO:0016575, HP:0012265.

Submission:

Labcorp Genetics (formerly Invitae), Labcorp
Classification: Pathogenic for Primary ciliary dyskinesia. Last evaluated: 2023-03-16. Review status: criteria provided, single submitter. Criteria: Invitae Variant Classification Sherloc (09022015). Collection method: clinical testing. Allele origin: germline.
Comment: For these reasons, this variant has been classified as Pathogenic. This variant has not been reported in the literature in individuals affected with DNAH8-related conditions. This variant is not present in population databases (gnomAD no frequency). This sequence change creates a premature translational stop signal (Splice site) in the DNAH8 gene. It is expected to result in an absent or disrupted protein product. Loss-of-function variants in DNAH8 are known to be pathogenic (PMID: 24307375, 32619401, 32681648).

Literature cited by the submitters: PubMed 24307375; PubMed 32619401; PubMed 32681648.

NM_001206927.2(DNAH8):c.3031_3034dup (p.Glu1012fs)

Gene: DNAH8 (dynein axonemal heavy chain 8; plus strand). Cytogenetic location: 6p21.2.
Variant type: Duplication.
Coding change: c.3031_3034dup on transcript NM_001206927.2 (MANE Select); coding-DNA positions 3031 to 3034, 4 bases duplicated (TCAG; older notation c.3031_3034dupTCAG).
Protein change: p.Glu1012fs; shifts the reading frame from glutamic acid 1012.
Molecular consequence: frameshift variant.
Genome position (GRCh38, 1-based): chr6:38,803,308-38,803,311, TCAG duplicated; duplicating any 4 consecutive bases within chr6:38,803,305-38,803,311 gives the same sequence; the c. name uses the placement nearest the transcript's 3' end. VCF-style (leftmost placement, unchanged base first): chr6-38803304-A-ACAGT. GRCh37 (hg19) VCF-style: chr6-38771080-A-ACAGT.
Other names: c.2380_2383dup, p.Glu795fs (NM_001371.4); short protein forms E1012fs, E795fs.
Identifiers: ClinVar variation 2839971 (VCV002839971.3), dbSNP rs781128315, ClinGen allele CA2739272980.